The following is an entry in ClinVar:

ClinVar aggregate classification (germline): Uncertain significance. Review status: criteria provided, multiple submitters, no conflicts (2 of 4 stars). 2 submissions from 2 submitters: Uncertain significance (2). Last evaluated 2025-10-20.

Conditions:
Inborn genetic diseases. Identifiers: MedGen C0950123, MeSH D030342.

Allele frequency attached by ClinVar (database versions not stated): gnomAD exomes 0.00001; TOPMed 0.00008; gnomAD 0.00009 and 0.00010.
gnomAD v4.1: 23 of 1,613,310 alleles (0.0014%); highest among the groups gnomAD compares: African/African-American, 0.029%; no homozygotes.

Submissions (2):

Labcorp Genetics (formerly Invitae), Labcorp
Classification: Uncertain significance. Last evaluated: 2025-10-20. Review status: criteria provided, single submitter. Criteria: Invitae Variant Classification Sherloc (09022015). Collection method: clinical testing. Allele origin: germline.
Comment: This sequence change replaces threonine, which is neutral and polar, with alanine, which is neutral and non-polar, at codon 1052 of the TUBGCP6 protein (p.Thr1052Ala). This variant is present in population databases (no rsID available, gnomAD 0.01%). This variant has not been reported in the literature in individuals affected with TUBGCP6-related conditions. ClinVar contains an entry for this variant (Variation ID: 1358442). An algorithm developed to predict the effect of missense changes on protein structure and function (PolyPhen-2) suggests that this variant is likely to be tolerated. In summary, the available evidence is currently insufficient to determine the role of this variant in disease. Therefore, it has been classified as a Variant of Uncertain Significance.

Ambry Genetics
Classification: Uncertain significance for Inborn genetic diseases. Last evaluated: 2025-08-20. Review status: criteria provided, single submitter. Criteria: Ambry Variant Classification Scheme 2023. Collection method: clinical testing. Allele origin: germline.

NM_020461.4(TUBGCP6):c.3154A>G (p.Thr1052Ala)

Gene: TUBGCP6 (tubulin gamma complex component 6; minus strand). Cytogenetic location: 22q13.33.
Variant type: single nucleotide variant.
Coding change: c.3154A>G on transcript NM_020461.4 (MANE Select); coding-DNA position 3154, A replaced by G.
Protein change: p.Thr1052Ala; replaces threonine 1052 with alanine.
Molecular consequence: missense variant.
Genome position (GRCh38, 1-based): chr22:50,221,205, T>C on the plus strand (A>G on the coding strand, the complement: TUBGCP6 is on the minus strand). VCF-style: chr22-50221205-T-C. GRCh37 (hg19) VCF-style: chr22-50659634-T-C.
Other names: c.3154A>G (NM_020461.3); short protein forms T1052A.
Identifiers: ClinVar variation 1358442 (VCV001358442.5), dbSNP rs1051587655, ClinGen allele CA325512489.
Genomic context (GRCh38, chr22:50,221,205, plus strand): 5'-GAGCCACATCTGACACATTCTCCCCGACCCTGATGCTGGCGTCAGACACGTGCCCGTGGG[T>C]GTTCCACCGTGGCCGGGTGGGAGCTATTTCAGAAGCGTAGTCCCCTGTGGGAAGACCACC-3'
Protein context (NP_065194.3, residues 1042-1062): EIAPTRPRWN[Thr1052Ala]HGHVSDASIR